The following is an entry in ClinVar:

NM_000344.4(SMN1):c.*3+80T>G

Gene: SMN1 (survival of motor neuron 1, telomeric). Cytogenetic location: 5q13.2.
Variant type: single nucleotide variant.
Coding change: c.*3+80T>G on transcript NM_000344.4 (MANE Select); 80 bases into the intron after 3 bases downstream of the stop codon, T replaced by G.
Molecular consequence: intron variant.
Genome position (GRCh38, 1-based): chr5:70,952,074, T>G. VCF-style: chr5-70952074-T-G. GRCh37 (hg19) VCF-style: chr5-70247901-T-G.
Other names: c.835-365T>G (NM_001297715.1); c.*3+80T>G (NM_022874.2).
Identifiers: ClinVar variation 1331398 (VCV001331398.8), dbSNP rs143838139, ClinGen allele CA120725349.

ClinVar aggregate classification (germline): Conflicting classifications of pathogenicity. Review status: criteria provided, conflicting classifications (1 of 4 stars). 4 submissions from 4 submitters: Pathogenic (1); Benign (3). Last evaluated 2024-04-05.

Conditions:
Werdnig-Hoffmann disease (SMA1). Also called: HMN (Hereditary Motor Neuropathy) Proximal Type I; MUSCULAR ATROPHY, INFANTILE; SMA I; SMA, INFANTILE ACUTE FORM. Identifiers: Orphanet 83330, MedGen C5848259, MONDO:0009669, OMIM 253300. Disease mechanism: loss of function.
Spinal muscular atrophy, type II (SMA2). Also called: MUSCULAR ATROPHY, SPINAL, INFANTILE CHRONIC FORM; MUSCULAR ATROPHY, SPINAL, INTERMEDIATE TYPE; SMA II. Identifiers: Orphanet 70, Orphanet 83418, MedGen C0393538, MONDO:0009673, OMIM 253550.
Spinal muscular atrophy, type IV. Also called: Adult spinal muscular atrophy; SPINAL MUSCULAR ATROPHY, ADULT FORM; SPINAL MUSCULAR ATROPHY, PROXIMAL, ADULT, AUTOSOMAL RECESSIVE. Identifiers: Orphanet 83420, MedGen C1838230, MONDO:0010056, OMIM 271150.
Kugelberg-Welander disease (SMA3). Also called: Juvenile Spinal Muscular Atrophy; KUGELBERG-WELANDER SYNDROME; MUSCULAR ATROPHY, JUVENILE; SPINAL MUSCULAR ATROPHY, TYPE III; SMA III; SPINAL MUSCULAR ATROPHY, MILD CHILDHOOD AND ADOLESCENT FORM. Identifiers: Orphanet 70, Orphanet 83419, MedGen C0152109, MONDO:0009672, OMIM 253400.

Allele frequency attached by ClinVar (database versions not stated): gnomAD exomes 0.00857; gnomAD 0.07568 and 0.08111; 1000 Genomes Project 0.09085; 1000 Genomes Project 30x 0.09322.
gnomAD v4.1: 24,574 of 1,600,350 alleles (1.5%); highest among the groups gnomAD compares: African/African-American, 26%; 604 homozygotes.

Submissions (4):

Fulgent Genetics
Classification: Pathogenic for Werdnig-Hoffmann disease; Kugelberg-Welander disease; Spinal muscular atrophy, type II; Spinal muscular atrophy, type IV. Last evaluated: 2024-04-05. Review status: criteria provided, single submitter. Criteria: ACMG Guidelines, 2015. Collection method: clinical testing. Allele origin: germline.

Mayo Clinic Laboratories, Mayo Clinic
Classification: Benign. Last evaluated: 2022-06-06. Review status: criteria provided, single submitter. Criteria: ACMG Guidelines, 2015. Collection method: clinical testing. Allele origin: germline. Observed: 42 variant alleles.

Women's Health and Genetics/Laboratory Corporation of America, LabCorp
Classification: Benign. Last evaluated: 2021-12-14. Review status: criteria provided, single submitter. Criteria: LabCorp Variant Classification Summary - May 2015. Collection method: clinical testing. Allele origin: germline.
Comment: Variant summary: SMN1 c.*3+80T>G is located in the untranslated mRNA region downstream of the termination codon. The variant allele was found at a frequency of 0.076 in 31050 control chromosomes in the gnomAD database, including 67 homozygotes. The observed variant frequency is approximately 30 fold of the estimated maximal expected allele frequency for a pathogenic variant in SMN1 causing Spinal Muscular Atrophy phenotype (0.0025), strongly suggesting that the variant is benign. No clinical diagnostic laboratories have submitted clinical-significance assessments for this variant to ClinVar after 2014. Based on the evidence outlined above, the variant was classified as benign.

Breakthrough Genomics
Classification: Benign. Review status: criteria provided, single submitter. Criteria: ACMG Guidelines, 2015. Collection method: not provided. Allele origin: germline. Inheritance: Autosomal recessive inheritance. Affected: yes.